The following is an entry in ClinVar:

ClinVar aggregate classification (germline): Uncertain significance (1 of 4 stars; one submission).

Submission:

Labcorp Genetics (formerly Invitae), Labcorp
Classification: Uncertain significance. Last evaluated: 2025-05-30. Review status: criteria provided, single submitter. Criteria: Invitae Variant Classification Sherloc (09022015). Collection method: clinical testing. Allele origin: germline.
Comment: This sequence change replaces valine, which is neutral and non-polar, with glycine, which is neutral and non-polar, at codon 3283 of the ZFHX3 protein (p.Val3283Gly). This variant is not present in population databases (gnomAD no frequency). This variant has not been reported in the literature in individuals affected with ZFHX3-related conditions. Experimental studies and prediction algorithms are not available or were not evaluated, and the functional significance of this variant is currently unknown. In summary, the available evidence is currently insufficient to determine the role of this variant in disease. Therefore, it has been classified as a Variant of Uncertain Significance.

NM_006885.4(ZFHX3):c.9848T>G (p.Val3283Gly)

Genes: ZFHX3 (zinc finger homeobox 3; minus strand), ZFHX3-AS1 (ZFHX3 antisense RNA 1; plus strand). Cytogenetic location: 16q22.2.
Variant type: single nucleotide variant.
Coding change: c.9848T>G on transcript NM_006885.4 (MANE Select); coding-DNA position 9848, T replaced by G.
Protein change: p.Val3283Gly; replaces valine 3283 with glycine.
Molecular consequence: missense variant.
Genome position (GRCh38, 1-based): chr16:72,788,428, A>C on the plus strand (T>G on the coding strand, the complement: ZFHX3 is on the minus strand). VCF-style: chr16-72788428-A-C. GRCh37 (hg19) VCF-style: chr16-72822327-A-C.
Other names: c.7106T>G, p.Val2369Gly (NM_001164766.2); c.9848T>G, p.Val3283Gly (NM_001386735.1); short protein forms V2369G, V3283G.
Identifiers: ClinVar variation 4805136 (VCV004805136.1).